The following is an entry in ClinVar:

NM_000112.4(SLC26A2):c.2044C>G (p.Leu682Val)

Gene: SLC26A2 (solute carrier family 26 member 2; plus strand). Cytogenetic location: 5q32.
Variant type: single nucleotide variant.
Coding change: c.2044C>G on transcript NM_000112.4 (MANE Select); coding-DNA position 2044, C replaced by G.
Protein change: p.Leu682Val; replaces leucine 682 with valine.
Molecular consequence: missense variant.
Genome position (GRCh38, 1-based): chr5:149,981,637, C>G. VCF-style: chr5-149981637-C-G. GRCh37 (hg19) VCF-style: chr5-149361200-C-G.
Other names: short protein forms L682V.
Identifiers: ClinVar variation 1358088 (VCV001358088.8), dbSNP rs751425859, ClinGen allele CA3505541.

ClinVar aggregate classification (germline): Uncertain significance (1 of 4 stars; one submission).

Conditions:
Achondrogenesis, type IB (ACG1B). Also called: Achondrogenesis Type 1B. Identifiers: Orphanet 932, Orphanet 93298, MedGen C0265274, MONDO:0010966, OMIM 600972.
Diastrophic dysplasia (DTD). Also called: Diastrophic dwarfism. Identifiers: Orphanet 628, MedGen C0220726, MONDO:0009107, OMIM 222600.
Multiple epiphyseal dysplasia type 4 (EDM4). Also called: MULTIPLE EPIPHYSEAL DYSPLASIA WITH BILAYERED PATELLAE; MULTIPLE EPIPHYSEAL DYSPLASIA WITH CLUBFOOT; MULTIPLE EPIPHYSEAL DYSPLASIA, AUTOSOMAL RECESSIVE; SLC26A2-Related Multiple Epiphyseal Dysplasia; Multiple Epiphyseal Dysplasia, Recessive. Identifiers: Orphanet 93307, MedGen C1847593, MONDO:0009189, OMIM 226900.
Atelosteogenesis type II (AO2). Also called: NEONATAL OSSEOUS DYSPLASIA I; Neonatal osseous dysplasia 1; SLC26A2-Related Atelosteogenesis. Identifiers: Orphanet 56304, MedGen C1850554, MONDO:0009727, OMIM 256050.

Allele frequency attached by ClinVar (database versions not stated): gnomAD exomes below 0.00001; ExAC 0.00001.

Submission:

Labcorp Genetics (formerly Invitae), Labcorp
Classification: Uncertain significance for Atelosteogenesis type II; Multiple epiphyseal dysplasia type 4; Achondrogenesis, type IB; Diastrophic dysplasia. Last evaluated: 2021-06-07. Review status: criteria provided, single submitter. Criteria: Invitae Variant Classification Sherloc (09022015). Collection method: clinical testing. Allele origin: germline.
Comment: This sequence change replaces leucine with valine at codon 682 of the SLC26A2 protein (p.Leu682Val). The leucine residue is highly conserved and there is a small physicochemical difference between leucine and valine. This variant is present in population databases (rs751425859, ExAC 0.009%). This variant has not been reported in the literature in individuals with SLC26A2-related conditions. Advanced modeling of protein sequence and biophysical properties (such as structural, functional, and spatial information, amino acid conservation, physicochemical variation, residue mobility, and thermodynamic stability) performed at Invitae indicates that this missense variant is not expected to disrupt SLC26A2 protein function. In summary, the available evidence is currently insufficient to determine the role of this variant in disease. Therefore, it has been classified as a Variant of Uncertain Significance.